The following is an entry in ClinVar:

NM_019032.6(ADAMTSL4):c.2745C>A (p.Tyr915Ter)

Gene: ADAMTSL4 (ADAMTS like 4; plus strand). Cytogenetic location: 1q21.2.
Variant type: single nucleotide variant.
Coding change: c.2745C>A on transcript NM_019032.6 (MANE Select); coding-DNA position 2745, C replaced by A.
Protein change: p.Tyr915Ter; replaces tyrosine 915 with a stop codon.
Molecular consequence: nonsense.
Genome position (GRCh38, 1-based): chr1:150,559,147, C>A. VCF-style: chr1-150559147-C-A. GRCh37 (hg19) VCF-style: chr1-150531623-C-A.
Other names: c.2628C>A, p.Tyr876Ter (NM_001288607.2); c.2814C>A, p.Tyr938Ter (NM_001288608.2); c.2745C>A, p.Tyr915Ter (NM_001378596.1); short protein forms Y915*, Y876*, Y938*.
Identifiers: ClinVar variation 2702548 (VCV002702548.3), dbSNP rs1672531146, ClinGen allele CA342316612.

ClinVar aggregate classification (germline): Pathogenic (1 of 4 stars; one submission).

Submission:

Labcorp Genetics (formerly Invitae), Labcorp
Classification: Pathogenic. Last evaluated: 2023-12-12. Review status: criteria provided, single submitter. Criteria: Invitae Variant Classification Sherloc (09022015). Collection method: clinical testing. Allele origin: germline.
Comment: This sequence change creates a premature translational stop signal (p.Tyr915*) in the ADAMTSL4 gene. It is expected to result in an absent or disrupted protein product. Loss-of-function variants in ADAMTSL4 are known to be pathogenic (PMID: 20564469, 28642162). This variant is not present in population databases (gnomAD no frequency). This variant has not been reported in the literature in individuals affected with ADAMTSL4-related conditions. For these reasons, this variant has been classified as Pathogenic.

Literature cited by the submitters: PubMed 20564469; PubMed 28642162.